The following is an entry in ClinVar:

ClinVar aggregate classification (germline): Uncertain significance. Review status: criteria provided, multiple submitters, no conflicts (2 of 4 stars). 4 submissions from 4 submitters: Uncertain significance (3). 1 of the submissions does not count toward it. Last evaluated 2026-08-06.

Conditions:
Glycogen storage disease, type II (IOPD). Also called: Glucosidase acid-1,4-alpha deficiency; Pompe Disease; CARDIOMEGALIA GLYCOGENICA DIFFUSA; GLYCOGENOSIS, GENERALIZED, CARDIAC FORM; GSD II; Glycogen storage disease type 2. Identifiers: Orphanet 365, MedGen C0017921, MONDO:0009290, OMIM 232300.
Glycogen storage disease. Also called: glycogen storage disorder; Disorder of glycogen metabolism. Identifiers: Orphanet 79201, MedGen C0017919, MONDO:0002412.
Cardiovascular phenotype. Identifiers: MedGen CN230736.

Submissions (4):

NHS Central & South Genomic Laboratory Hub
Classification: Uncertain significance for Glycogen storage disease. Last evaluated: 2026-08-06. Review status: criteria provided, single submitter. Criteria: ACMG Guidelines, 2015. Collection method: clinical testing. Allele origin: germline. Affected: yes.

Ambry Genetics
Classification: Uncertain significance for Cardiovascular phenotype. Last evaluated: 2025-07-30. Review status: criteria provided, single submitter. Criteria: Ambry Variant Classification Scheme 2023. Collection method: clinical testing. Allele origin: germline.
Comment: The p.S679G variant (also known as c.2035A>G), located in coding exon 13 of the GAA gene, results from an A to G substitution at nucleotide position 2035. The serine at codon 679 is replaced by glycine, an amino acid with similar properties. This amino acid position is conserved. In addition, this alteration is predicted to be tolerated by in silico analysis. Based on the available evidence, the clinical significance of this variant remains unclear.

Labcorp Genetics (formerly Invitae), Labcorp
Classification: Uncertain significance for Glycogen storage disease, type II. Last evaluated: 2024-10-14. Review status: criteria provided, single submitter. Criteria: Invitae Variant Classification Sherloc (09022015). Collection method: clinical testing. Allele origin: germline.
Comment: This sequence change replaces serine, which is neutral and polar, with glycine, which is neutral and non-polar, at codon 679 of the GAA protein (p.Ser679Gly). This variant is not present in population databases (gnomAD no frequency). This variant has not been reported in the literature in individuals affected with GAA-related conditions. ClinVar contains an entry for this variant (Variation ID: 1054136). Invitae Evidence Modeling of protein sequence and biophysical properties (such as structural, functional, and spatial information, amino acid conservation, physicochemical variation, residue mobility, and thermodynamic stability) indicates that this missense variant is not expected to disrupt GAA protein function with a negative predictive value of 95%. Algorithms developed to predict the effect of sequence changes on RNA splicing suggest that this variant may create or strengthen a splice site. In summary, the available evidence is currently insufficient to determine the role of this variant in disease. Therefore, it has been classified as a Variant of Uncertain Significance.

Natera, Inc.
Classification: Uncertain significance for Glycogen storage disease type II. Last evaluated: 2020-07-08. Review status: no assertion criteria provided. Collection method: clinical testing. Allele origin: germline. Not counted in ClinVar's aggregate classification.

NM_000152.5(GAA):c.2035A>G (p.Ser679Gly)

Gene: GAA (alpha glucosidase; plus strand). Cytogenetic location: 17q25.3.
Variant type: single nucleotide variant.
Coding change: c.2035A>G on transcript NM_000152.5 (MANE Select); coding-DNA position 2035, A replaced by G.
Protein change: p.Ser679Gly; replaces serine 679 with glycine.
Molecular consequence: missense variant.
Genome position (GRCh38, 1-based): chr17:80,113,022, A>G. VCF-style: chr17-80113022-A-G. GRCh37 (hg19) VCF-style: chr17-78086821-A-G.
Other names: c.2035A>G (NM_000152.3); c.2035A>G, p.Ser679Gly (NM_001079803.3, NM_001079804.3); short protein forms S679G.
Identifiers: ClinVar variation 1054136 (VCV001054136.9), dbSNP rs1567835990, ClinGen allele CA401370177.